The following is an entry in ClinVar:

NM_000475.5(NR0B1):c.273C>A (p.Tyr91Ter)

Gene: NR0B1 (nuclear receptor subfamily 0 group B member 1; minus strand). Cytogenetic location: Xp21.2.
Variant type: single nucleotide variant.
Coding change: c.273C>A on transcript NM_000475.5 (MANE Select); coding-DNA position 273, C replaced by A.
Protein change: p.Tyr91Ter; replaces tyrosine 91 with a stop codon.
Molecular consequence: nonsense.
Genome position (GRCh38, 1-based): chrX:30,309,091, G>T on the plus strand (C>A on the coding strand, the complement: NR0B1 is on the minus strand). VCF-style: chrX-30309091-G-T. GRCh37 (hg19) VCF-style: chrX-30327208-G-T.
Other names: short protein forms Y91*.
Identifiers: ClinVar variation 10956 (VCV000010956.3), dbSNP rs104894892, ClinGen allele CA255626.

ClinVar aggregate classification (germline): Pathogenic. Review status: criteria provided, single submitter (1 of 4 stars). 3 submissions from 3 submitters: Pathogenic (1). 2 of the submissions do not count toward it. Last evaluated 2016-04-04.

Conditions:
Congenital adrenal hypoplasia, X-linked (AHC). Also called: Isolated X-Linked Adrenal Hypoplasia Congenita; ADRENAL HYPOPLASIA, CONGENITAL, WITH HYPOGONADOTROPIC HYPOGONADISM; X-linked AHC; X-Linked Adrenal Hypoplasia Congenita. Identifiers: Orphanet 95702, MedGen C0342482, MONDO:0010264, OMIM 300200. Disease mechanism: loss of function.

Submissions (3):

GeneDx
Classification: Pathogenic. Last evaluated: 2016-04-04. Review status: criteria provided, single submitter. Criteria: GeneDx Variant Classification (06012015). Collection method: clinical testing. Allele origin: germline. Affected: yes.
Comment: The Y91X nonsense variant in the NR0B1 gene has been reported previously in association withX-linked adrenal hypoplasia congenita (AHC) (Nake et al., 1996; Guo et al., 1996). The Y91X variant was not observed in approximately 6400 individuals of European and African American ancestry in the NHLBI Exome Sequencing Project, indicating it is not a common benign variant in these populations. This variant is predicted to cause loss of normal protein function either through protein truncation or nonsense-mediated mRNA decay. Therefore, we interpret Y91X to be a pathogenic variant.

Beijing Key Laboratory for Genetic Research of Skeletal Deformity, Peking Union Medical College Hospital
Classification: Pathogenic for Congenital adrenal hypoplasia, X-linked. Last evaluated: 2019-05-31. Review status: no assertion criteria provided. Collection method: research. Allele origin: paternal. Affected: yes. Not counted in ClinVar's aggregate classification.

OMIM
Classification: Pathogenic for ADRENAL HYPOPLASIA, CONGENITAL. Last evaluated: 1996-10-01. Review status: no assertion criteria provided. Collection method: literature only. Allele origin: germline. Not counted in ClinVar's aggregate classification.

Literature cited by the submitters: PubMed 8855822 (cited by OMIM).